The following is an entry in ClinVar:

ClinVar aggregate classification (germline): Uncertain significance (1 of 4 stars; one submission).

Conditions:
Duchenne muscular dystrophy (DMD). Also called: MUSCULAR DYSTROPHY, PSEUDOHYPERTROPHIC PROGRESSIVE, DUCHENNE TYPE; Duchenne Muscular Dystrophy (DMD). Identifiers: Orphanet 98896, MedGen C0013264, MONDO:0010679, OMIM 310200.

Submission:

Labcorp Genetics (formerly Invitae), Labcorp
Classification: Uncertain significance for Duchenne muscular dystrophy. Last evaluated: 2022-01-21. Review status: criteria provided, single submitter. Criteria: Invitae Variant Classification Sherloc (09022015). Collection method: clinical testing. Allele origin: germline.
Comment: This sequence change replaces lysine, which is basic and polar, with asparagine, which is neutral and polar, at codon 722 of the DMD protein (p.Lys722Asn). This variant is not present in population databases (gnomAD no frequency). This variant has not been reported in the literature in individuals affected with DMD-related conditions. Algorithms developed to predict the effect of missense changes on protein structure and function are either unavailable or do not agree on the potential impact of this missense change (SIFT: "Tolerated"; PolyPhen-2: "Possibly Damaging"; Align-GVGD: "Class C0"). In summary, the available evidence is currently insufficient to determine the role of this variant in disease. Therefore, it has been classified as a Variant of Uncertain Significance.

NM_004006.3(DMD):c.2166A>T (p.Lys722Asn)

Gene: DMD (dystrophin; minus strand). Cytogenetic location: Xp21.1.
Variant type: single nucleotide variant.
Coding change: c.2166A>T on transcript NM_004006.3 (MANE Select); coding-DNA position 2166, A replaced by T.
Protein change: p.Lys722Asn; replaces lysine 722 with asparagine.
Molecular consequence: missense variant.
Genome position (GRCh38, 1-based): chrX:32,545,161, T>A on the plus strand (A>T on the coding strand, the complement: DMD is on the minus strand). VCF-style: chrX-32545161-T-A. GRCh37 (hg19) VCF-style: chrX-32563278-T-A.
Other names: c.2142A>T, p.Lys714Asn (NM_000109.4); c.2154A>T, p.Lys718Asn (NM_004009.3); c.1797A>T, p.Lys599Asn (NM_004010.3); short protein forms K718N, K722N, K599N, K714N.
Identifiers: ClinVar variation 2088947 (VCV002088947.1), dbSNP rs147580966, ClinGen allele CA412667531.